The following is an entry in ClinVar:

NM_000416.3(IFNGR1):c.461G>A (p.Gly154Glu)

Gene: IFNGR1 (interferon gamma receptor 1; minus strand). Cytogenetic location: 6q23.3.
Variant type: single nucleotide variant.
Coding change: c.461G>A on transcript NM_000416.3 (MANE Select); coding-DNA position 461, G replaced by A.
Protein change: p.Gly154Glu; replaces glycine 154 with glutamic acid.
Molecular consequence: missense variant.
Genome position (GRCh38, 1-based): chr6:137,204,417, C>T on the plus strand (G>A on the coding strand, the complement: IFNGR1 is on the minus strand). VCF-style: chr6-137204417-C-T. GRCh37 (hg19) VCF-style: chr6-137525554-C-T.
Other names: c.431G>A, p.Gly144Glu (NM_001363526.1); c.338G>A, p.Gly113Glu (NM_001363527.1); short protein forms G154E, G144E, G113E.
Identifiers: ClinVar variation 3022389 (VCV003022389.3), dbSNP rs2548233831, ClinGen allele CA365775373.

ClinVar aggregate classification (germline): Uncertain significance (1 of 4 stars; one submission).

Conditions:
Disseminated atypical mycobacterial infection. Identifiers: MedGen C0694566.

gnomAD v4.1: 1 of 1,613,854 alleles (0.000062%); no homozygotes.

Submission:

Labcorp Genetics (formerly Invitae), Labcorp
Classification: Uncertain significance for Disseminated atypical mycobacterial infection. Last evaluated: 2023-10-14. Review status: criteria provided, single submitter. Criteria: Invitae Variant Classification Sherloc (09022015). Collection method: clinical testing. Allele origin: germline.
Comment: This sequence change replaces glycine, which is neutral and non-polar, with glutamic acid, which is acidic and polar, at codon 154 of the IFNGR1 protein (p.Gly154Glu). This variant is not present in population databases (gnomAD no frequency). This variant has not been reported in the literature in individuals affected with IFNGR1-related conditions. Algorithms developed to predict the effect of missense changes on protein structure and function output the following: SIFT: "Not Available"; PolyPhen-2: "Benign"; Align-GVGD: "Not Available". The glutamic acid amino acid residue is found in multiple mammalian species, which suggests that this missense change does not adversely affect protein function. In summary, the available evidence is currently insufficient to determine the role of this variant in disease. Therefore, it has been classified as a Variant of Uncertain Significance.